The following is an entry in ClinVar:

NM_000222.3(KIT):c.2862T>C (p.Ser954=)

Gene: KIT (KIT proto-oncogene, receptor tyrosine kinase; plus strand). Cytogenetic location: 4q12.
Variant type: single nucleotide variant.
Coding change: c.2862T>C on transcript NM_000222.3 (MANE Select); coding-DNA position 2862, T replaced by C.
Protein change: p.Ser954=; no amino-acid change (serine 954 retained).
Molecular consequence: synonymous variant.
Genome position (GRCh38, 1-based): chr4:54,738,488, T>C. VCF-style: chr4-54738488-T-C. GRCh37 (hg19) VCF-style: chr4-55604654-T-C.
Other names: c.2850T>C, p.Ser950= (NM_001093772.2, NM_001385292.1); c.2865T>C, p.Ser955= (NM_001385284.1); c.2859T>C, p.Ser953= (NM_001385285.1); c.2847T>C, p.Ser949= (NM_001385286.1); c.2853T>C, p.Ser951= (NM_001385288.1); c.2862T>C, p.Ser954= (NM_001385290.1).
Identifiers: ClinVar variation 528646 (VCV000528646.11), dbSNP rs1553893817, ClinGen allele CA439292253.

ClinVar aggregate classification (germline): Benign/Likely benign. Review status: criteria provided, multiple submitters, no conflicts (2 of 4 stars). 3 submissions from 3 submitters: Benign (1); Likely benign (2). Last evaluated 2026-06-05.

Conditions:
Hereditary cancer-predisposing syndrome. Also called: Hereditary neoplastic syndrome; Neoplastic Syndromes, Hereditary; Hereditary Cancer Syndrome; Tumor predisposition. Identifiers: Orphanet 140162, MedGen C0027672, MeSH D009386, MONDO:0015356.
Gastrointestinal stromal tumor. Also called: Gastrointestinal stromal tumor, somatic; Gastrointestinal stroma tumor. Identifiers: Orphanet 44890, MedGen C0238198, MeSH D046152, MONDO:0011719, OMIM 606764, HP:0100723.

Allele frequency attached by ClinVar (database versions not stated): gnomAD exomes below 0.00001.
gnomAD v4.1: 2 of 1,614,142 alleles (0.00012%); highest among the groups gnomAD compares: East Asian, 0.0022%; no homozygotes.

Submissions (3):

Myriad Genetics, Inc.
Classification: Benign for Gastrointestinal stromal tumor. Last evaluated: 2026-06-05. Review status: criteria provided, single submitter. Criteria: Myriad Autosomal Dominant, Autosomal Recessive and X-Linked Classification Criteria (2023). Collection method: clinical testing. Allele origin: unknown.
Comment: This variant is considered benign. This variant is a silent/synonymous amino acid change and it is not expected to impact splicing.

Labcorp Genetics (formerly Invitae), Labcorp
Classification: Likely benign for Gastrointestinal stromal tumor. Last evaluated: 2025-07-31. Review status: criteria provided, single submitter. Criteria: Invitae Variant Classification Sherloc (09022015). Collection method: clinical testing. Allele origin: germline.

Ambry Genetics
Classification: Likely benign for Hereditary cancer-predisposing syndrome. Last evaluated: 2023-10-31. Review status: criteria provided, single submitter. Criteria: Ambry Variant Classification Scheme 2023. Collection method: clinical testing. Allele origin: germline.